The following is an entry in ClinVar:

NM_006922.4(SCN3A):c.1057G>A (p.Val353Met)

Gene: SCN3A (sodium voltage-gated channel alpha subunit 3; minus strand). Cytogenetic location: 2q24.3.
Variant type: single nucleotide variant.
Coding change: c.1057G>A on transcript NM_006922.4 (MANE Select); coding-DNA position 1057, G replaced by A.
Protein change: p.Val353Met; replaces valine 353 with methionine.
Molecular consequence: missense variant.
Genome position (GRCh38, 1-based): chr2:165,155,878, C>T on the plus strand (G>A on the coding strand, the complement: SCN3A is on the minus strand). VCF-style: chr2-165155878-C-T. GRCh37 (hg19) VCF-style: chr2-166012388-C-T.
Other names: c.1057G>A, p.Val353Met (NM_001081677.2, NM_001081676.2); c.1057G>A (NM_006922.3); short protein forms V353M.
Identifiers: ClinVar variation 2960725 (VCV002960725.4), dbSNP rs1688991758, ClinGen allele CA349238611.
Genomic context (GRCh38, chr2:165,155,878, plus strand): 5'-AAGCCCAGCTAAAGGTGTCAAAGCTTGTGTAGCCATAGTTGGGGTTTCGACCAGCCTTCA[C>T]ACAGATGTATCCTTCTGGACACTGGCTATAAGAGAGAGAAATGGAGGTAGGGTCAGTTTA-3'
Protein context (NP_008853.3, residues 343-363): AGQCPEGYIC[Val353Met]KAGRNPNYGY

ClinVar aggregate classification (germline): Uncertain significance. Review status: criteria provided, multiple submitters, no conflicts (2 of 4 stars). 2 submissions from 2 submitters: Uncertain significance (2). Last evaluated 2025-11-26.

Conditions:
Inborn genetic diseases. Identifiers: MedGen C0950123, MeSH D030342.

Allele frequency attached by ClinVar (database versions not stated): TOPMed below 0.00001; gnomAD exomes 0.00002.
gnomAD v4.1: 16 of 1,614,134 alleles (0.00099%); highest among the groups gnomAD compares: Non-Finnish European, 0.0014%; no homozygotes.

Submissions (2):

Ambry Genetics
Classification: Uncertain significance for Inborn genetic diseases. Last evaluated: 2025-11-26. Review status: criteria provided, single submitter. Criteria: Ambry Variant Classification Scheme 2023. Collection method: clinical testing. Allele origin: germline.

Labcorp Genetics (formerly Invitae), Labcorp
Classification: Uncertain significance. Last evaluated: 2023-06-14. Review status: criteria provided, single submitter. Criteria: Invitae Variant Classification Sherloc (09022015). Collection method: clinical testing. Allele origin: germline.
Comment: In summary, the available evidence is currently insufficient to determine the role of this variant in disease. Therefore, it has been classified as a Variant of Uncertain Significance. Advanced modeling of protein sequence and biophysical properties (such as structural, functional, and spatial information, amino acid conservation, physicochemical variation, residue mobility, and thermodynamic stability) performed at Invitae indicates that this missense variant is not expected to disrupt SCN3A protein function. This variant has not been reported in the literature in individuals affected with SCN3A-related conditions. This variant is not present in population databases (gnomAD no frequency). This sequence change replaces valine, which is neutral and non-polar, with methionine, which is neutral and non-polar, at codon 353 of the SCN3A protein (p.Val353Met).